The following is an entry in ClinVar:

ClinVar aggregate classification (germline): Pathogenic/Likely pathogenic. Review status: criteria provided, multiple submitters, no conflicts (2 of 4 stars). 2 submissions from 2 submitters: Pathogenic (1); Likely pathogenic (1). Last evaluated 2022-02-16.

Conditions:
Familial thoracic aortic aneurysm and aortic dissection (TAAD). Also called: Thoracic aortic aneurysms and dissections. Identifiers: Orphanet 91387, MedGen C4707243, MONDO:0019625.
Marfan syndrome (MFS). Also called: Marfan syndrome type 1; Marfan's syndrome; Marfan syndrome, classic; MARFAN SYNDROME, TYPE I; FBN1-Related Marfan Syndrome. Identifiers: Orphanet 284963, Orphanet 558, MedGen C0024796, MONDO:0007947, OMIM 154700.

Submissions (2):

Mayo Clinic Laboratories, Mayo Clinic
Classification: Likely pathogenic. Last evaluated: 2022-02-16. Review status: criteria provided, single submitter. Criteria: ACMG Guidelines, 2015. Collection method: clinical testing. Allele origin: germline. Observed: 1 variant allele.
Comment: PP3, PP4, PM1_strong, PM2_supporting, PM5

Labcorp Genetics (formerly Invitae), Labcorp
Classification: Pathogenic for Marfan syndrome; Familial thoracic aortic aneurysm and aortic dissection. Last evaluated: 2020-07-08. Review status: criteria provided, single submitter. Criteria: Invitae Variant Classification Sherloc (09022015). Collection method: clinical testing. Allele origin: germline.
Comment: This variant affects a cysteine residue in the EGF-like, TGFBP or hybrid motif domains of FBN1. Cysteine residues are believed to be involved in intramolecular disulfide bridges and have been shown to be important for FBN1 protein structure (PMID: 16905551, 19349279). In addition, missense substitutions affecting cysteine residues within these domains are significantly overrepresented among patients with Marfan syndrome (PMID: 16571647, 17701892). For these reasons, this variant has been classified as Pathogenic. This variant disrupts the p.Cys1502 amino acid residue in FBN1. Other variant(s) that disrupt this residue have been observed in individuals with FBN1-related conditions (PMID: 26221284, 2976867, 16476890), which suggests that this may be a clinically significant amino acid residue. Algorithms developed to predict the effect of missense changes on protein structure and function (SIFT, PolyPhen-2, Align-GVGD) all suggest that this variant is likely to be disruptive, but these predictions have not been confirmed by published functional studies and their clinical significance is uncertain. This variant has been observed in individual(s) with Marfan syndrome (Invitae). This variant is not present in population databases (ExAC no frequency). This sequence change replaces cysteine with arginine at codon 1502 of the FBN1 protein (p.Cys1502Arg). The cysteine residue is highly conserved and there is a large physicochemical difference between cysteine and arginine.

Literature cited by the submitters: PubMed 16476890 (cited by Mayo Clinic Laboratories, Mayo Clinic and Labcorp Genetics (formerly Invitae), Labcorp); PubMed 26221284 (cited by Mayo Clinic Laboratories, Mayo Clinic and Labcorp Genetics (formerly Invitae), Labcorp); PubMed 29237689 (cited by Mayo Clinic Laboratories, Mayo Clinic); PubMed 29768367 (cited by Mayo Clinic Laboratories, Mayo Clinic); PubMed 32679894 (cited by Mayo Clinic Laboratories, Mayo Clinic); PubMed 16905551 (cited by Labcorp Genetics (formerly Invitae), Labcorp); PubMed 19349279 (cited by Labcorp Genetics (formerly Invitae), Labcorp); PubMed 16571647 (cited by Labcorp Genetics (formerly Invitae), Labcorp); PubMed 17701892 (cited by Labcorp Genetics (formerly Invitae), Labcorp); PubMed 2976867 (cited by Labcorp Genetics (formerly Invitae), Labcorp).

NM_000138.5(FBN1):c.4504T>C (p.Cys1502Arg)

Gene: FBN1 (fibrillin 1; minus strand). Cytogenetic location: 15q21.1.
Variant type: single nucleotide variant.
Coding change: c.4504T>C on transcript NM_000138.5 (MANE Select); coding-DNA position 4504, T replaced by C.
Protein change: p.Cys1502Arg; replaces cysteine 1502 with arginine.
Molecular consequence: missense variant.
Genome position (GRCh38, 1-based): chr15:48,468,490, A>G on the plus strand (T>C on the coding strand, the complement: FBN1 is on the minus strand). VCF-style: chr15-48468490-A-G. GRCh37 (hg19) VCF-style: chr15-48760687-A-G.
Other names: p.Cys1502Arg; c.4504T>C (NM_000138.4); short protein forms C1502R.
Identifiers: ClinVar variation 1069285 (VCV001069285.10), dbSNP rs2141273019, ClinGen allele CA392353643.
Genomic context (GRCh38, chr15:48,468,490, plus strand): 5'-TTGGGTTCAGTTCAAAATCAGGTGGGCAGTCACAGATATAGCTGCCTGGAGTGTTGACAC[A>G]GTTCCCACTGATGCACGTGGTTGGATCCAGGCATTCATTCACATCTAAAACCGAACAGTG-3'
Protein context (NP_000129.3, residues 1492-1512): LDPTTCISGN[Cys1502Arg]VNTPGSYICD